The following is an entry in ClinVar:

ClinVar aggregate classification (germline): Uncertain significance (1 of 4 stars; one submission).

Conditions:
Early-infantile DEE. Also called: Ohtahara syndrome; Early infantile epileptic encephalopathy with suppression bursts; Early infantile epileptic encephalopathy. Identifiers: Orphanet 1934, MedGen C0393706, MONDO:0800491.

Submission:

Labcorp Genetics (formerly Invitae), Labcorp
Classification: Uncertain significance for Early-infantile DEE. Last evaluated: 2023-04-16. Review status: criteria provided, single submitter. Criteria: Invitae Variant Classification Sherloc (09022015). Collection method: clinical testing. Allele origin: germline.
Comment: In summary, the available evidence is currently insufficient to determine the role of this variant in disease. Therefore, it has been classified as a Variant of Uncertain Significance. Advanced modeling of protein sequence and biophysical properties (such as structural, functional, and spatial information, amino acid conservation, physicochemical variation, residue mobility, and thermodynamic stability) has been performed at Invitae for this missense variant, however the output from this modeling did not meet the statistical confidence thresholds required to predict the impact of this variant on SPTAN1 protein function. This variant has not been reported in the literature in individuals affected with SPTAN1-related conditions. This variant is not present in population databases (gnomAD no frequency). This sequence change replaces glycine, which is neutral and non-polar, with aspartic acid, which is acidic and polar, at codon 1177 of the SPTAN1 protein (p.Gly1177Asp).

NM_001130438.3(SPTAN1):c.3530G>A (p.Gly1177Asp)

Gene: SPTAN1 (spectrin alpha, non-erythrocytic 1; plus strand). Cytogenetic location: 9q34.11.
Variant type: single nucleotide variant.
Coding change: c.3530G>A on transcript NM_001130438.3 (MANE Select); coding-DNA position 3530, G replaced by A.
Protein change: p.Gly1177Asp; replaces glycine 1177 with aspartic acid.
Molecular consequence: missense variant.
Genome position (GRCh38, 1-based): chr9:128,598,973, G>A. VCF-style: chr9-128598973-G-A. GRCh37 (hg19) VCF-style: chr9-131361252-G-A.
Other names: c.3470G>A, p.Gly1157Asp (NM_001195532.2, NM_001363765.2, NM_001375314.2); c.3530G>A, p.Gly1177Asp (NM_001363759.2, NM_001375310.1, NM_001375311.2 and 2 more transcripts); c.3566G>A, p.Gly1189Asp (NM_001375312.2, NM_001375318.1); short protein forms G1177D, G1189D, G1157D.
Identifiers: ClinVar variation 2856877 (VCV002856877.3), dbSNP rs1414224941, ClinGen allele CA375062553.